The following is an entry in ClinVar:

NC_000021.8:g.(46902736_46906774)_(46906907_46907360)del

Gene: COL18A1 (collagen type XVIII alpha 1 chain; plus strand). Cytogenetic location: 21q22.3.
Variant type: Deletion.
Identifiers: ClinVar variation 4537085 (VCV004537085.1).

ClinVar aggregate classification (germline): Uncertain significance (1 of 4 stars; one submission).

Submission:

Women's Health and Genetics/Laboratory Corporation of America, LabCorp
Classification: Uncertain significance. Last evaluated: 2025-11-04. Review status: criteria provided, single submitter. Criteria: LabCorp Variant Classification Summary - May 2015. Collection method: clinical testing. Allele origin: germline.
Comment: Variant summary: The variant involves the deletion of exon 16 in the COL18A1 gene. This Copy Number Variant (CNV) is predicted to result in an in-frame deletion within this gene. Loss-of-function variants in this gene are known to be pathogenic. A presumed nomenclature of c.(1701+1_1702-1)_(1833+1_1834-1)del has been designated for the purposes of this classification. The variant was absent in 21660 control chromosomes. The available data on variant occurrences in the general population are insufficient to allow any conclusion about variant significance. To our knowledge, no occurrence of c.(1701+1_1702-1)_(1833+1_1834-1)del in individuals affected with COL18A1-related conditions and no experimental evidence demonstrating its impact on protein function have been reported. No submitters have cited clinical-significance assessments for this variant to ClinVar. Based on the evidence outlined above, the variant was classified as uncertain significance.